The following is an entry in ClinVar:

NM_001354712.2(THRB):c.*5262C>T

Gene: THRB (thyroid hormone receptor beta; minus strand). Cytogenetic location: 3p24.2.
Variant type: single nucleotide variant.
Coding change: c.*5262C>T on transcript NM_001354712.2 (MANE Select); 5262 bases downstream of the stop codon, C replaced by T.
Molecular consequence: 3 prime UTR variant.
Genome position (GRCh38, 1-based): chr3:24,117,622, G>A on the plus strand (C>T on the coding strand, the complement: THRB is on the minus strand). VCF-style: chr3-24117622-G-A. GRCh37 (hg19) VCF-style: chr3-24159113-G-A.
Other names: c.*5262C>T (NM_000461.5, NM_001128176.3, NM_001128177.2 and 8 more transcripts).
Identifiers: ClinVar variation 344540 (VCV000344540.5), dbSNP rs550799208, ClinGen allele CA10618297.

ClinVar aggregate classification (germline): Benign (1 of 4 stars; one submission).

Conditions:
Thyroid hormone resistance, generalized, autosomal dominant (GRTHD). Also called: HYPERTHYROXINEMIA, FAMILIAL EUTHYROID, SECONDARY TO PITUITARY AND PERIPHERAL RESISTANCE TO THYROID HORMONES. Identifiers: MedGen C2937288, MONDO:0008569, OMIM 188570.

Allele frequency attached by ClinVar (database versions not stated): 1000 Genomes Project 0.00060; 1000 Genomes Project 30x 0.00062; TOPMed 0.00088; gnomAD 0.00089 and 0.00090.

Submission:

Illumina Laboratory Services, Illumina
Classification: Benign for Thyroid hormone resistance, generalized, autosomal dominant. Last evaluated: 2018-01-12. Review status: criteria provided, single submitter. Criteria: ICSL Variant Classification Criteria 13 December 2019. Collection method: clinical testing. Allele origin: germline.
Comment: This variant was observed in the ICSL laboratory as part of a predisposition screen in an ostensibly healthy population. It had not been previously curated by ICSL or reported in the Human Gene Mutation Database (HGMD: prior to June 1st, 2018), and was therefore a candidate for classification through an automated scoring system. Utilizing variant allele frequency, disease prevalence and penetrance estimates, and inheritance mode, an automated score was calculated to assess if this variant is too frequent to cause the disease. Based on the score and internal cut-off values, a variant classified as benign is not then subjected to further curation. The score for this variant resulted in a classification of benign for this disease.